The following is an entry in ClinVar:

ClinVar aggregate classification (germline): Pathogenic (1 of 4 stars; one submission).

Conditions:
Ehlers-Danlos syndrome, dermatosparaxis type. Also called: Dermatosparaxis; Ehlers-Danlos syndrome, type VII, autosomal recessive; EDS VIIC. Identifiers: Orphanet 1901, MedGen C2700425, MONDO:0009161, OMIM 225410.

Submission:

Labcorp Genetics (formerly Invitae), Labcorp
Classification: Pathogenic for Ehlers-Danlos syndrome, dermatosparaxis type. Last evaluated: 2021-12-09. Review status: criteria provided, single submitter. Criteria: Invitae Variant Classification Sherloc (09022015). Collection method: clinical testing. Allele origin: germline.
Comment: This variant is a gross deletion of the genomic region encompassing exon(s) 1-2 of the ADAMTS2 gene, which includes the initiator codon. This deletion extends beyond the assayed region for this gene and therefore may encompass additional genes. It is expected to result in an absent or disrupted protein product. Loss-of-function variants in ADAMTS2 are known to be pathogenic (PMID: 10417273). This variant has not been reported in the literature in individuals affected with ADAMTS2-related conditions. For these reasons, this variant has been classified as Pathogenic.

Literature cited by the submitters: PubMed 10417273.

NC_000005.9:g.(?_178770758)_(178772339_?)del

Gene: ADAMTS2 (ADAM metallopeptidase with thrombospondin type 1 motif 2; minus strand). Cytogenetic location: 5q35.3.
Variant type: Deletion.
Identifiers: ClinVar variation 2425919 (VCV002425919.5).